The following is an entry in ClinVar:

NM_000059.4(BRCA2):c.7791_7792insAGA (p.Lys2597_Glu2598insArg)

Gene: BRCA2 (BRCA2 DNA repair associated; plus strand). Cytogenetic location: 13q13.1.
Variant type: Insertion.
Coding change: c.7791_7792insAGA on transcript NM_000059.4 (MANE Select); coding-DNA positions 7791 to 7792, AGA inserted.
Protein change: p.Lys2597_Glu2598insArg.
Molecular consequence: non-coding transcript variant (on NR_176251.1).
Genome position: GRCh38 VCF-style: chr13-32357914-A-AAAG. GRCh37 (hg19) VCF-style: chr13-32932051-A-AAAG.
Other names: c.7695_7696insAGA, p.Lys2565_Glu2566insArg (NM_001406719.1); c.7791_7792insAGA, p.Lys2597_Glu2598insArg (NM_001406720.1, NM_001432077.1); c.2859_2860insAGA, p.Lys953_Glu954insArg (NM_001406721.1); c.1374_1375insAGA, p.Lys458_Glu459insArg (NM_001406722.1).
Identifiers: ClinVar variation 3651548 (VCV003651548.2).

ClinVar aggregate classification (germline): Uncertain significance (1 of 4 stars; one submission).

Conditions:
Hereditary breast ovarian cancer syndrome. Also called: BRCA1- and BRCA2-Associated Hereditary Breast and Ovarian Cancer; Breast and ovarian cancer; Hereditary breast and ovarian cancer syndrome (HBOC); Hereditary breast and ovarian cancer syndrome; Hereditary breast and/or ovarian cancer syndrome; Hereditary breast and ovarian cancer. Identifiers: Orphanet 145, MedGen C0677776, MeSH D061325, MONDO:0003582. Disease mechanism: loss of function.

Submission:

Labcorp Genetics (formerly Invitae), Labcorp
Classification: Uncertain significance for Hereditary breast ovarian cancer syndrome. Last evaluated: 2024-04-29. Review status: criteria provided, single submitter. Criteria: Invitae Variant Classification Sherloc (09022015). Collection method: clinical testing. Allele origin: germline.
Comment: This variant, c.7791_7792insAGA, results in the insertion of 1 amino acid(s) of the BRCA2 protein (p.Lys2597_Glu2598insArg), but otherwise preserves the integrity of the reading frame. This variant is not present in population databases (gnomAD no frequency). This variant has not been reported in the literature in individuals affected with BRCA2-related conditions. In summary, the available evidence is currently insufficient to determine the role of this variant in disease. Therefore, it has been classified as a Variant of Uncertain Significance.